The following is an entry in ClinVar:

ClinVar aggregate classification (germline): Uncertain significance (1 of 4 stars; one submission).

Conditions:
Arrhythmogenic right ventricular dysplasia 11. Also called: ARRHYTHMOGENIC RIGHT VENTRICULAR DYSPLASIA, FAMILIAL, 11; Arrhythmogenic Right Ventricular Dysplasia/Cardiomyopathy11; Arrhythmogenic right ventricular dysplasia 11 with mild palmoplantar keratoderma and woolly hair. Identifiers: MedGen C1864850, MONDO:0012506, OMIM 610476.

Submission:

Labcorp Genetics (formerly Invitae), Labcorp
Classification: Uncertain significance for Arrhythmogenic right ventricular dysplasia 11. Last evaluated: 2019-05-12. Review status: criteria provided, single submitter. Criteria: Invitae Variant Classification Sherloc (09022015). Collection method: clinical testing. Allele origin: germline.
Comment: In summary, the available evidence is currently insufficient to determine the role of this variant in disease. Therefore, it has been classified as a Variant of Uncertain Significance. Algorithms developed to predict the effect of missense changes on protein structure and function are either unavailable or do not agree on the potential impact of this missense change (SIFT: "Tolerated"; PolyPhen-2: "Probably Damaging"; Align-GVGD: "Class C0"). This variant has not been reported in the literature in individuals with DSC2-related conditions. This variant is not present in population databases (ExAC no frequency). This sequence change replaces proline with alanine at codon 289 of the DSC2 protein (p.Pro289Ala). The proline residue is highly conserved and there is a small physicochemical difference between proline and alanine.

NM_024422.6(DSC2):c.865C>G (p.Pro289Ala)

Gene: DSC2 (desmocollin 2; minus strand). Cytogenetic location: 18q12.1.
Variant type: single nucleotide variant.
Coding change: c.865C>G on transcript NM_024422.6 (MANE Select); coding-DNA position 865, C replaced by G.
Protein change: p.Pro289Ala; replaces proline 289 with alanine.
Molecular consequence: missense variant.
Genome position (GRCh38, 1-based): chr18:31,086,653, G>C on the plus strand (C>G on the coding strand, the complement: DSC2 is on the minus strand). VCF-style: chr18-31086653-G-C. GRCh37 (hg19) VCF-style: chr18-28666616-G-C.
Other names: c.865C>G, p.Pro289Ala (NM_004949.5); short protein forms P289A.
Identifiers: ClinVar variation 846216 (VCV000846216.9), dbSNP rs200802591, ClinGen allele CA402112085.
Genomic context (GRCh38, chr18:31,086,653, plus strand): 5'-ATGATGTTGTGGTGATCACGCCTGTAGTTGGATGCATAGAAAATAGGGTGGGTGATGGTG[G>C]CACCTGCCCAATGATGGAGTACTTCAGGCGTGTGTGCATCGTGTCAGGCTCATCTTTGTC-3'
Protein context (NP_077740.1, residues 279-299): RLKYSIIGQV[Pro289Ala]PSPTLFSMHP